The following is an entry in ClinVar:

ClinVar aggregate classification (germline): Likely pathogenic. Review status: criteria provided, multiple submitters, no conflicts (2 of 4 stars). 2 submissions from 2 submitters: Likely pathogenic (2). Last evaluated 2025-05-02.

Conditions:
Autosomal recessive osteopetrosis 1. Also called: ALBERS-SCHONBERG DISEASE, AUTOSOMAL RECESSIVE; TCIRG1-Related Autosomal Recessive Osteopetrosis; TCIRG1-Related Osteopetrosis. Identifiers: Orphanet 667, MedGen C1850127, MONDO:0009815, OMIM 259700.

Submissions (2):

Natera, Inc.
Classification: Likely pathogenic for Infantile malignant osteopetrosis. Last evaluated: 2025-05-02. Review status: criteria provided, single submitter. Criteria: Natera Variant Classification Schema (03/2026). Collection method: clinical testing. Allele origin: germline.
Comment: The c.806_807+1del variant in TCIRG1 is a canonical splice donor site variant predicted to affect pre-mRNA splicing, which may result in an abnormal transcript and altered protein product. This variant is expected to result in nonsense mediated decay, truncation, or a dysfunctional protein product. This variant is rare in the general population with a frequency below the threshold expected for the associated phenotype(s). Given the available evidence, this variant is classified as Likely Pathogenic.

CeGaT Center for Human Genetics Tuebingen
Classification: Likely pathogenic. Last evaluated: 2017-04-01. Review status: criteria provided, single submitter. Criteria: CeGaT Center For Human Genetics Tuebingen Variant Classification Criteria Version 2. Collection method: clinical testing. Allele origin: germline. Affected: yes. Observed: 1 variant allele.

NM_006019.4(TCIRG1):c.806_807+1del

Gene: TCIRG1 (T cell immune regulator 1, ATPase H+ transporting V0 subunit a3; plus strand). Cytogenetic location: 11q13.2.
Variant type: Microsatellite.
Coding change: c.806_807+1del on transcript NM_006019.4 (MANE Select); coding-DNA position 806 through the canonical splice donor site of the intron after coding-DNA position 807, 3 bases deleted (AGG; older notation c.806_807+1delAGG).
Molecular consequence: splice donor variant.
Genome position (GRCh38, 1-based): chr11:68,043,906-68,043,908, AGG deleted; deleting any 3 consecutive bases within chr11:68,043,903-68,043,908 gives the same sequence; the c. name uses the placement nearest the transcript's 3' end. VCF-style (leftmost placement, unchanged base first): chr11-68043902-CAGG-C. GRCh37 (hg19) VCF-style: chr11-67811369-CAGG-C.
Other names: c.806_807+1del (NM_006019.3); c.-89_-88+1del (NM_001351059.2); c.158_159+1del (NM_006053.4).
Identifiers: ClinVar variation 444261 (VCV000444261.45), dbSNP rs1554995891, ClinGen allele CA658653801.